The following is an entry in ClinVar:

NM_001848.3(COL6A1):c.858+188G>C

Gene: COL6A1 (collagen type VI alpha 1 chain; plus strand). Cytogenetic location: 21q22.3.
Variant type: single nucleotide variant.
Coding change: c.858+188G>C on transcript NM_001848.3 (MANE Select); 188 bases into the intron after coding-DNA position 858, G replaced by C.
Molecular consequence: intron variant.
Genome position (GRCh38, 1-based): chr21:45,989,325, G>C. VCF-style: chr21-45989325-G-C. GRCh37 (hg19) VCF-style: chr21-47409239-G-C.
Identifiers: ClinVar variation 679178 (VCV000679178.2), dbSNP rs2277813, ClinGen allele CA14894525.

ClinVar aggregate classification (germline): Benign. Review status: criteria provided, multiple submitters, no conflicts (2 of 4 stars). 2 submissions from 2 submitters: Benign (2). Last evaluated 2018-06-14.

Allele frequency attached by ClinVar (database versions not stated): gnomAD 0.68526 and 0.68598; TOPMed 0.69020; 1000 Genomes Project 0.70248; 1000 Genomes Project 30x 0.70347.
gnomAD v4.1: 104,163 of 152,194 alleles (68%); highest among the groups gnomAD compares: East Asian, 80%; 35,859 homozygotes.

Submissions (2):

GeneDx
Classification: Benign. Last evaluated: 2018-06-14. Review status: criteria provided, single submitter. Criteria: GeneDx Variant Classification (06012015). Collection method: clinical testing. Allele origin: germline. Affected: yes.
Comment: This variant is considered likely benign or benign based on one or more of the following criteria: it is a conservative change, it occurs at a poorly conserved position in the protein, it is predicted to be benign by multiple in silico algorithms, and/or has population frequency not consistent with disease.

Breakthrough Genomics
Classification: Benign. Review status: criteria provided, single submitter. Criteria: ACMG Guidelines, 2015. Collection method: not provided. Allele origin: germline. Inheritance: Autosomal recessive inheritance. Affected: yes.